The following is an entry in ClinVar:

ClinVar aggregate classification (germline): Uncertain significance (1 of 4 stars; one submission).

Allele frequency attached by ClinVar (database versions not stated): ExAC 0.00007; gnomAD 0.00011 and 0.00012; 1000 Genomes Project 30x 0.00016.
gnomAD v4.1: 243 of 1,549,076 alleles (0.016%); highest among the groups gnomAD compares: Middle Eastern, 0.04%; no homozygotes.

Submission:

Labcorp Genetics (formerly Invitae), Labcorp
Classification: Uncertain significance. Last evaluated: 2022-08-09. Review status: criteria provided, single submitter. Criteria: Invitae Variant Classification Sherloc (09022015). Collection method: clinical testing. Allele origin: germline.
Comment: This sequence change replaces glycine, which is neutral and non-polar, with valine, which is neutral and non-polar, at codon 14 of the CCBE1 protein (p.Gly14Val). This variant is present in population databases (rs753016701, gnomAD 0.03%). This missense change has been observed in individual(s) with Hennekam lymphangiectasia-lymphedema syndrome (PMID: 30450763). ClinVar contains an entry for this variant (Variation ID: 1432887). Algorithms developed to predict the effect of missense changes on protein structure and function (SIFT, PolyPhen-2, Align-GVGD) all suggest that this variant is likely to be tolerated. In summary, the available evidence is currently insufficient to determine the role of this variant in disease. Therefore, it has been classified as a Variant of Uncertain Significance.

Literature cited by the submitters: PubMed 30450763.

NM_133459.4(CCBE1):c.41G>T (p.Gly14Val)

Gene: CCBE1 (collagen and calcium binding EGF domains 1; minus strand). Cytogenetic location: 18q21.32.
Variant type: single nucleotide variant.
Coding change: c.41G>T on transcript NM_133459.4 (MANE Select); coding-DNA position 41, G replaced by T.
Protein change: p.Gly14Val; replaces glycine 14 with valine.
Molecular consequence: missense variant.
Genome position (GRCh38, 1-based): chr18:59,697,302, C>A on the plus strand (G>T on the coding strand, the complement: CCBE1 is on the minus strand). VCF-style: chr18-59697302-C-A. GRCh37 (hg19) VCF-style: chr18-57364534-C-A.
Other names: short protein forms G14V.
Identifiers: ClinVar variation 1432887 (VCV001432887.3), dbSNP rs753016701, ClinGen allele CA8980659.
Genomic context (GRCh38, chr18:59,697,302, plus strand): 5'-GTCCACGTGTGTCCCAACGCCAGGAGCAGCAGCAGCGGACCCAGGCTCCTGCCCAGCTGG[C>A]CCCTGGCAGCTCCTCCCCGGCTCGGAGGCGGCGGCACCATCAGGGAAGCTCCCGGCTTCT-3'
Protein context (NP_597716.1, residues 4-24): PPPSRGGAAR[Gly14Val]QLGRSLGPLL